The following is an entry in ClinVar:

NM_152387.4(KCTD18):c.885C>T (p.Val295=)

Gene: KCTD18 (potassium channel tetramerization domain containing 18; minus strand). Cytogenetic location: 2q33.1.
Variant type: single nucleotide variant.
Coding change: c.885C>T on transcript NM_152387.4 (MANE Select); coding-DNA position 885, C replaced by T.
Protein change: p.Val295=; no amino-acid change (valine 295 retained).
Molecular consequence: synonymous variant.
Genome position (GRCh38, 1-based): chr2:200,490,496, G>A on the plus strand (C>T on the coding strand, the complement: KCTD18 is on the minus strand). VCF-style: chr2-200490496-G-A. GRCh37 (hg19) VCF-style: chr2-201355219-G-A.
Other names: c.885C>T, p.Val295= (NM_001321547.2); c.258C>T, p.Val86= (NM_001321548.2, NM_001321550.2).
Identifiers: ClinVar variation 3050872 (VCV003050872.2), dbSNP rs866190955, ClinGen allele CA63786626.

ClinVar aggregate classification (germline): Likely benign (0 of 4 stars; one submission).

Conditions:
KCTD18-related disorder. Also called: KCTD18-related condition.

Allele frequency attached by ClinVar (database versions not stated): gnomAD exomes 0.00001.
gnomAD v4.1: 16 of 1,610,822 alleles (0.00099%); highest among the groups gnomAD compares: Middle Eastern, 0.26%; no homozygotes.

Submission:

PreventionGenetics, part of Exact Sciences
Classification: Likely benign for KCTD18-related condition. Last evaluated: 2020-01-13. Review status: no assertion criteria provided. Collection method: clinical testing. Allele origin: germline.
Comment: This variant is classified as likely benign based on ACMG/AMP sequence variant interpretation guidelines (Richards et al. 2015 PMID: 25741868, with internal and published modifications).